The following is an entry in ClinVar:

NM_002880.4(RAF1):c.683C>G (p.Ser228Cys)

Gene: RAF1 (Raf-1 proto-oncogene, serine/threonine kinase; minus strand). Cytogenetic location: 3p25.2.
Variant type: single nucleotide variant.
Coding change: c.683C>G on transcript NM_002880.4 (MANE Select); coding-DNA position 683, C replaced by G.
Protein change: p.Ser228Cys; replaces serine 228 with cysteine.
Molecular consequence: missense variant. On other transcripts: non-coding transcript variant (3).
Genome position (GRCh38, 1-based): chr3:12,604,287, G>C on the plus strand (C>G on the coding strand, the complement: RAF1 is on the minus strand). VCF-style: chr3-12604287-G-C. GRCh37 (hg19) VCF-style: chr3-12645786-G-C.
Other names: c.683C>G, p.Ser228Cys (NM_001354689.3, NM_001354690.3); c.440C>G, p.Ser147Cys (NM_001354691.3, NM_001354692.3, NM_001354694.3); c.584C>G, p.Ser195Cys (NM_001354693.3); c.341C>G, p.Ser114Cys (NM_001354695.3); short protein forms S228C, S147C, S114C, S195C.
Identifiers: ClinVar variation 198487 (VCV000198487.16), dbSNP rs766437069, ClinGen allele CA247160.

ClinVar aggregate classification (germline): Uncertain significance. Review status: criteria provided, multiple submitters, no conflicts (2 of 4 stars). 3 submissions from 3 submitters: Uncertain significance (3). Last evaluated 2025-04-23.

Conditions:
Cardiovascular phenotype. Identifiers: MedGen CN230736.
RASopathy. Also called: rasopathies; Noonan spectrum disorder. Identifiers: Orphanet 536391, MedGen C5555857, MONDO:0021060.

Allele frequency attached by ClinVar (database versions not stated): TOPMed below 0.00001; ExAC 0.00001; gnomAD 0.00001; gnomAD exomes 0.00001.
gnomAD v4.1: 43 of 1,613,744 alleles (0.0027%); highest among the groups gnomAD compares: Non-Finnish European, 0.0036%; no homozygotes.

Submissions (3):

Labcorp Genetics (formerly Invitae), Labcorp
Classification: Uncertain significance for RASopathy. Last evaluated: 2025-04-23. Review status: criteria provided, single submitter. Criteria: Invitae Variant Classification Sherloc (09022015). Collection method: clinical testing. Allele origin: germline.
Comment: This sequence change replaces serine, which is neutral and polar, with cysteine, which is neutral and slightly polar, at codon 228 of the RAF1 protein (p.Ser228Cys). This variant is present in population databases (rs766437069, gnomAD 0.003%). This missense change has been observed in individual(s) with neonatal testicular torsion (PMID: 30904638). ClinVar contains an entry for this variant (Variation ID: 198487). Invitae Evidence Modeling incorporating data from in vitro experimental studies (internal data) indicates that this missense variant is not expected to disrupt RAF1 function with a negative predictive value of 95%. Studies have shown that this missense change alters RAF1 gene expression (PMID: 30904638). In summary, the available evidence is currently insufficient to determine the role of this variant in disease. Therefore, it has been classified as a Variant of Uncertain Significance.

Ambry Genetics
Classification: Uncertain significance for Cardiovascular phenotype. Last evaluated: 2020-02-26. Review status: criteria provided, single submitter. Criteria: Ambry Variant Classification Scheme 2023. Collection method: clinical testing. Allele origin: germline.
Comment: The p.S228C variant (also known as c.683C>G), located in coding exon 6 of the RAF1 gene, results from a C to G substitution at nucleotide position 683. The serine at codon 228 is replaced by cysteine, an amino acid with dissimilar properties. This variant was detected in affected individuals in a family with testicular torsion and cryptorchidism, and biopsy of testicular tissue from an affected individual indicated reduced Raf-1 and pERK protein expression (Kohn TP et al. Urology, 2019 07;129:60-67). This amino acid position is well conserved in available vertebrate species. In addition, the in silico prediction for this alteration is inconclusive. Since supporting evidence is limited at this time, the clinical significance of this alteration remains unclear.

Eurofins Ntd Llc (ga)
Classification: Uncertain significance. Last evaluated: 2014-06-10. Review status: criteria provided, single submitter. Criteria: EGL Classification Definitions 2015. Collection method: clinical testing. Allele origin: germline. Observed: 1 variant allele, 1 heterozygote.

Literature cited by the submitters: PubMed 30904638 (cited by Labcorp Genetics (formerly Invitae), Labcorp and Ambry Genetics).